The following is an entry in ClinVar:

NM_000195.5(HPS1):c.392G>A (p.Arg131Gln)

Gene: HPS1 (HPS1 biogenesis of lysosomal organelles complex 3 subunit 1; minus strand). Cytogenetic location: 10q24.2.
Variant type: single nucleotide variant.
Coding change: c.392G>A on transcript NM_000195.5 (MANE Select); coding-DNA position 392, G replaced by A.
Protein change: p.Arg131Gln; replaces arginine 131 with glutamine.
Molecular consequence: missense variant. On other transcripts: 5 prime UTR variant (2), intron variant (7).
Genome position (GRCh38, 1-based): chr10:98,435,278, C>T on the plus strand (G>A on the coding strand, the complement: HPS1 is on the minus strand). VCF-style: chr10-98435278-C-T. GRCh37 (hg19) VCF-style: chr10-100195035-C-T.
Other names: c.-525G>A (NM_001311345.2); c.392G>A, p.Arg131Gln (NM_001322476.2, NM_001322477.2, NM_001322478.2 and 5 more transcripts); c.-624G>A (NM_001322487.2); c.29+357G>A (NM_001322483.2, NM_001322485.2, NM_001322484.2); c.255+357G>A (NM_001322480.2, NM_001322482.2, NM_001322481.2); c.-519+357G>A (NM_001322489.2); short protein forms R131Q.
Identifiers: ClinVar variation 2154761 (VCV002154761.1), dbSNP rs199755594, ClinGen allele CA5639420.
Genomic context (GRCh38, chr10:98,435,278, plus strand): 5'-GGCCCAGCGAGGGTGCTCGGCAAAGGACAGAGGGGACCAGCTTTGAAGACTCACTCCTTT[C>T]GGATAAGATGACCGTCCACAGTCACCAGCCCAAAGTGCACTTCAAACAGGTACTTGAGCA-3'
Protein context (NP_000186.2, residues 121-141): GLVTVDGHLI[Arg131Gln]KELRPPDLAQ

ClinVar aggregate classification (germline): Uncertain significance (1 of 4 stars; one submission).

Allele frequency attached by ClinVar (database versions not stated): gnomAD exomes below 0.00001; TOPMed below 0.00001; gnomAD 0.00001; ExAC 0.00002; 1000 Genomes Project 30x 0.00016; 1000 Genomes Project 0.00020.
gnomAD v4.1: 6 of 1,614,024 alleles (0.00037%); highest among the groups gnomAD compares: East Asian, 0.0045%; no homozygotes.

Submission:

Labcorp Genetics (formerly Invitae), Labcorp
Classification: Uncertain significance. Last evaluated: 2022-04-11. Review status: criteria provided, single submitter. Criteria: Invitae Variant Classification Sherloc (09022015). Collection method: clinical testing. Allele origin: germline.
Comment: This sequence change replaces arginine, which is basic and polar, with glutamine, which is neutral and polar, at codon 131 of the HPS1 protein (p.Arg131Gln). This variant is present in population databases (rs199755594, gnomAD 0.003%). This variant has not been reported in the literature in individuals affected with HPS1-related conditions. Algorithms developed to predict the effect of missense changes on protein structure and function (SIFT, PolyPhen-2, Align-GVGD) all suggest that this variant is likely to be tolerated. In summary, the available evidence is currently insufficient to determine the role of this variant in disease. Therefore, it has been classified as a Variant of Uncertain Significance.